The following is an entry in ClinVar:

NM_005321.3(H1-4):c.370G>C (p.Gly124Arg)

Gene: H1-4 (H1.4 linker histone, cluster member; plus strand). Cytogenetic location: 6p22.2.
Variant type: single nucleotide variant.
Coding change: c.370G>C on transcript NM_005321.3 (MANE Select); coding-DNA position 370, G replaced by C.
Protein change: p.Gly124Arg; replaces glycine 124 with arginine.
Molecular consequence: missense variant.
Genome position (GRCh38, 1-based): chr6:26,156,760, G>C. VCF-style: chr6-26156760-G-C. GRCh37 (hg19) VCF-style: chr6-26156988-G-C.
Other names: short protein forms G124R.
Identifiers: ClinVar variation 4056765 (VCV004056765.1).

ClinVar aggregate classification (germline): Uncertain significance (1 of 4 stars; one submission).

Conditions:
Rahman syndrome. Also called: HIST1H1E Syndrome. Identifiers: Orphanet 642763, MedGen C4479637, MONDO:0044323, OMIM 617537.

gnomAD v4.1: 3 of 1,613,672 alleles (0.00019%); highest among the groups gnomAD compares: African/African-American, 0.0027%; no homozygotes.

Submission:

Laboratorio de Genetica e Diagnostico Molecular, Hospital Israelita Albert Einstein
Classification: Uncertain significance for Rahman syndrome. Last evaluated: 2024-11-21. Review status: criteria provided, single submitter. Criteria: ACMG Guidelines, 2015. Collection method: clinical testing. Allele origin: germline. Affected: yes.
Comment: ACMG classification criteria: PM2 supporting, BP4 supporting